The following is an entry in ClinVar:

NM_003239.5(TGFB3):c.464G>A (p.Arg155Gln)

Gene: TGFB3 (transforming growth factor beta 3; minus strand). Cytogenetic location: 14q24.3.
Variant type: single nucleotide variant.
Coding change: c.464G>A on transcript NM_003239.5 (MANE Select); coding-DNA position 464, G replaced by A.
Protein change: p.Arg155Gln; replaces arginine 155 with glutamine.
Molecular consequence: missense variant.
Genome position (GRCh38, 1-based): chr14:75,971,607, C>T on the plus strand (G>A on the coding strand, the complement: TGFB3 is on the minus strand). VCF-style: chr14-75971607-C-T. GRCh37 (hg19) VCF-style: chr14-76437950-C-T.
Other names: c.464G>A, p.Arg155Gln (NM_001329938.2, NM_001329939.2); short protein forms R155Q.
Identifiers: ClinVar variation 575813 (VCV000575813.16), dbSNP rs925224125, ClinGen allele CA263707117.
Genomic context (GRCh38, chr14:75,971,607, plus strand): 5'-GGAGTTACCTGGAAGAGCTCGATCCTCTGCTCATTCCGCTTAGAGCTGGGGTTGGGCACC[C>T]GCAAGACCCGGAATTCTGCTCGGAATAGGTTGGTTCTATTTTTCTCCACTGAGGACACAT-3'
Protein context (NP_003230.1, residues 145-165): NLFRAEFRVL[Arg155Gln]VPNPSSKRNE

ClinVar aggregate classification (germline): Uncertain significance. Review status: criteria provided, multiple submitters, no conflicts (2 of 4 stars). 5 submissions from 5 submitters: Uncertain significance (5). Last evaluated 2026-09-10.

Conditions:
Rienhoff syndrome. Also called: LOEYS-DIETZ SYNDROME 5. Identifiers: MedGen C3810012, MONDO:0014262, OMIM 615582.
Arrhythmogenic right ventricular dysplasia 1. Identifiers: Orphanet 3403, MedGen C1862511, MONDO:0007152, OMIM 107970.
Familial thoracic aortic aneurysm and aortic dissection (TAAD). Also called: Thoracic aortic aneurysms and dissections. Identifiers: Orphanet 91387, MedGen C4707243, MONDO:0019625.

Allele frequency attached by ClinVar (database versions not stated): gnomAD exomes below 0.00001; TOPMed 0.00002.
gnomAD v4.1: 6 of 1,614,190 alleles (0.00037%); highest among the groups gnomAD compares: Admixed American, 0.0017%; no homozygotes.

Submissions (5):

Ambry Genetics
Classification: Uncertain significance for Familial thoracic aortic aneurysm and aortic dissection. Last evaluated: 2026-09-10. Review status: criteria provided, single submitter. Criteria: Ambry Variant Classification Scheme 2023. Collection method: clinical testing. Allele origin: germline.
Comment: The p.R155Q variant (also known as c.464G>A), located in coding exon 2 of the TGFB3 gene, results from a G to A substitution at nucleotide position 464. The arginine at codon 155 is replaced by glutamine, an amino acid with highly similar properties. This amino acid position is highly conserved in available vertebrate species. In addition, this alteration is predicted to be deleterious by in silico analysis. Based on the available evidence, the clinical significance of this variant remains unclear.

Labcorp Genetics (formerly Invitae), Labcorp
Classification: Uncertain significance for Rienhoff syndrome. Last evaluated: 2025-08-31. Review status: criteria provided, single submitter. Criteria: Invitae Variant Classification Sherloc (09022015). Collection method: clinical testing. Allele origin: germline.
Comment: This sequence change replaces arginine, which is basic and polar, with glutamine, which is neutral and polar, at codon 155 of the TGFB3 protein (p.Arg155Gln). This variant is present in population databases (no rsID available, gnomAD no frequency). This missense change has been observed in individual(s) with clinical features of Loeys-Dietz syndrome (internal data). ClinVar contains an entry for this variant (Variation ID: 575813). Invitae Evidence Modeling of protein sequence and biophysical properties (such as structural, functional, and spatial information, amino acid conservation, physicochemical variation, residue mobility, and thermodynamic stability) indicates that this missense variant is not expected to disrupt TGFB3 protein function with a negative predictive value of 80%. This variant disrupts the p.Arg155 amino acid residue in TGFB3. Other variant(s) that disrupt this residue have been determined to be pathogenic (PMID: 31898322, 32897753; internal data). This suggests that this residue is clinically significant, and that variants that disrupt this residue are likely to be disease-causing. In summary, the available evidence is currently insufficient to determine the role of this variant in disease. Therefore, it has been classified as a Variant of Uncertain Significance.

Blueprint Genetics
Classification: Uncertain significance. Last evaluated: 2023-11-23. Review status: criteria provided, single submitter. Criteria: ACMG Guidelines, 2015. Collection method: clinical testing. Allele origin: germline.

GeneDx
Classification: Uncertain significance. Last evaluated: 2020-10-20. Review status: criteria provided, single submitter. Criteria: GeneDx Variant Classification Process June 2021. Collection method: clinical testing. Allele origin: germline. Affected: yes.
Comment: Has not been previously published as pathogenic or benign to our knowledge; Not observed at a significant frequency in large population cohorts (Lek et al., 2016); In silico analysis supports that this missense variant does not alter protein structure/function

Center for Genomics, Ann and Robert H. Lurie Children's Hospital of Chicago
Classification: Uncertain significance for Arrhythmogenic right ventricular dysplasia 1; Rienhoff syndrome. Review status: criteria provided, single submitter. Criteria: ACMG Guidelines, 2015. Collection method: clinical testing. Allele origin: germline.
Comment: TGFB3 NM_003239.4 exon 2 p.Arg155Gln (c.464G>A): This variant has not been reported in the literature but is present in 0.0003% (1/251366) of total alleles in the Genome Aggregation Database. This variant is present in ClinVar (Variation ID:575813). Evolutionary conservation and computational predictive tools suggest that this variant may impact the protein. In summary, data on this variant is insufficient for disease classification. Therefore, the clinical significance of this variant is uncertain

Literature cited by the submitters: PubMed 31898322 (cited by Labcorp Genetics (formerly Invitae), Labcorp); PubMed 32897753 (cited by Labcorp Genetics (formerly Invitae), Labcorp).